The following is an entry in ClinVar:

NM_000245.4(MET):c.568G>A (p.Asp190Asn)

Gene: MET (MET proto-oncogene, receptor tyrosine kinase; plus strand). Cytogenetic location: 7q31.2.
Variant type: single nucleotide variant.
Coding change: c.568G>A on transcript NM_000245.4 (MANE Select); coding-DNA position 568, G replaced by A.
Protein change: p.Asp190Asn; replaces aspartic acid 190 with asparagine.
Molecular consequence: missense variant. On other transcripts: intron variant (1).
Genome position (GRCh38, 1-based): chr7:116,699,652, G>A. VCF-style: chr7-116699652-G-A. GRCh37 (hg19) VCF-style: chr7-116339706-G-A.
Other names: c.568G>A, p.Asp190Asn (NM_001127500.3, NM_001324401.3); c.-91+27075G>A (NM_001324402.2); short protein forms D190N.
Identifiers: ClinVar variation 3013605 (VCV003013605.4), dbSNP rs1186978034, ClinGen allele CA368969364.

ClinVar aggregate classification (germline): Conflicting classifications of pathogenicity. Review status: criteria provided, conflicting classifications (1 of 4 stars). 2 submissions from 2 submitters: Uncertain significance (1); Likely benign (1). Last evaluated 2025-09-26.

Conditions:
Hereditary cancer-predisposing syndrome. Also called: Neoplastic Syndromes, Hereditary; Tumor predisposition; Hereditary neoplastic syndrome; Hereditary Cancer Syndrome. Identifiers: Orphanet 140162, MedGen C0027672, MeSH D009386, MONDO:0015356.
Renal cell carcinoma. Identifiers: Orphanet 217071, MedGen C0007134, MeSH D002292, MONDO:0005086, HP:0005584.

Submissions (2):

Ambry Genetics
Classification: Likely benign for Hereditary cancer-predisposing syndrome. Last evaluated: 2025-09-26. Review status: criteria provided, single submitter. Criteria: Ambry Variant Classification Scheme 2023. Collection method: clinical testing. Allele origin: germline.

Labcorp Genetics (formerly Invitae), Labcorp
Classification: Uncertain significance for Renal cell carcinoma. Last evaluated: 2023-11-24. Review status: criteria provided, single submitter. Criteria: Invitae Variant Classification Sherloc (09022015). Collection method: clinical testing. Allele origin: germline.
Comment: This sequence change replaces aspartic acid, which is acidic and polar, with asparagine, which is neutral and polar, at codon 190 of the MET protein (p.Asp190Asn). The frequency data for this variant in the population databases is considered unreliable, as metrics indicate poor data quality at this position in the gnomAD database. This variant has not been reported in the literature in individuals affected with MET-related conditions. Advanced modeling of protein sequence and biophysical properties (such as structural, functional, and spatial information, amino acid conservation, physicochemical variation, residue mobility, and thermodynamic stability) performed at Invitae indicates that this missense variant is not expected to disrupt MET protein function with a negative predictive value of 80%. In summary, the available evidence is currently insufficient to determine the role of this variant in disease. Therefore, it has been classified as a Variant of Uncertain Significance.